The following is an entry in ClinVar:

NM_000452.3(SLC10A2):c.655G>A (p.Ala219Thr)

Gene: SLC10A2 (solute carrier family 10 member 2; minus strand). Cytogenetic location: 13q33.1.
Variant type: single nucleotide variant.
Coding change: c.655G>A on transcript NM_000452.3 (MANE Select); coding-DNA position 655, G replaced by A.
Protein change: p.Ala219Thr; replaces alanine 219 with threonine.
Molecular consequence: missense variant.
Genome position (GRCh38, 1-based): chr13:103,051,363, C>T on the plus strand (G>A on the coding strand, the complement: SLC10A2 is on the minus strand). VCF-style: chr13-103051363-C-T. GRCh37 (hg19) VCF-style: chr13-103703713-C-T.
Other names: c.655G>A (NM_000452.2); short protein forms A219T.
Identifiers: ClinVar variation 2065776 (VCV002065776.6), dbSNP rs147515410, ClinGen allele CA7042098.

ClinVar aggregate classification (germline): Conflicting classifications of pathogenicity. Review status: criteria provided, conflicting classifications (1 of 4 stars). 3 submissions from 3 submitters: Uncertain significance (2); Likely benign (1). Last evaluated 2026-03-09.

Conditions:
SLC10A2-related disorder. Also called: SLC10A2-related condition.

Allele frequency attached by ClinVar (database versions not stated): ESP Exome Variant Server 0.00008; gnomAD 0.00013; 1000 Genomes Project 0.00040; 1000 Genomes Project 30x 0.00047.

Submissions (3):

PreventionGenetics, part of Exact Sciences
Classification: Uncertain significance for SLC10A2-related condition. Last evaluated: 2026-03-09. Review status: criteria provided, single submitter. Criteria: ACMG Guidelines, 2015. Collection method: clinical testing. Allele origin: germline.
Comment: The SLC10A2 c.655G>A variant is predicted to result in the amino acid substitution p.Ala219Thr. To our knowledge, this variant has not been reported in the literature. This variant is reported in 0.075% of alleles in individuals of East Asian descent in gnomAD. Although we suspect that this variant may be benign, at this time, the clinical significance of this variant is uncertain due to the absence of conclusive functional and genetic evidence.

Labcorp Genetics (formerly Invitae), Labcorp
Classification: Uncertain significance. Last evaluated: 2026-01-24. Review status: criteria provided, single submitter. Criteria: Invitae Variant Classification Sherloc (09022015). Collection method: clinical testing. Allele origin: germline.
Comment: This sequence change replaces alanine, which is neutral and non-polar, with threonine, which is neutral and polar, at codon 219 of the SLC10A2 protein (p.Ala219Thr). This variant is present in population databases (rs147515410, gnomAD 0.07%), and has an allele count higher than expected for a pathogenic variant. This variant has not been reported in the literature in individuals affected with SLC10A2-related conditions. ClinVar contains an entry for this variant (Variation ID: 2065776). Invitae Evidence Modeling of protein sequence and biophysical properties (such as structural, functional, and spatial information, amino acid conservation, physicochemical variation, residue mobility, and thermodynamic stability) indicates that this missense variant is not expected to disrupt SLC10A2 protein function with a negative predictive value of 80%. In summary, the available evidence is currently insufficient to determine the role of this variant in disease. Therefore, it has been classified as a Variant of Uncertain Significance.

Blueprint Genetics
Classification: Likely benign. Last evaluated: 2024-11-04. Review status: criteria provided, single submitter. Criteria: ACMG Guidelines, 2015. Collection method: clinical testing. Allele origin: germline.